The following is an entry in ClinVar:

ClinVar aggregate classification (germline): Likely benign. Review status: criteria provided, multiple submitters, no conflicts (2 of 4 stars). 4 submissions from 4 submitters: Likely benign (4). Last evaluated 2024-10-08.

Conditions:
Hereditary cancer-predisposing syndrome. Also called: Hereditary neoplastic syndrome; Hereditary Cancer Syndrome; Neoplastic Syndromes, Hereditary; Tumor predisposition. Identifiers: Orphanet 140162, MedGen C0027672, MeSH D009386, MONDO:0015356.
Familial adenomatous polyposis 2. Also called: MYH-associated polyposis; COLORECTAL ADENOMATOUS POLYPOSIS, AUTOSOMAL RECESSIVE; ADENOMAS, MULTIPLE COLORECTAL, AUTOSOMAL RECESSIVE; MUTYH-related attenuated familial adenomatous polyposis; Adenomas, multiple colorectal; FAP type 2. Identifiers: Orphanet 220460, Orphanet 247798, MedGen C3272841, MONDO:0012041, OMIM 608456.

Allele frequency attached by ClinVar (database versions not stated): gnomAD exomes below 0.00001.
gnomAD v4.1: 2 of 1,614,134 alleles (0.00012%); highest among the groups gnomAD compares: Non-Finnish European, 0.000085%; no homozygotes.

Submissions (4):

Labcorp Genetics (formerly Invitae), Labcorp
Classification: Likely benign for Familial adenomatous polyposis 2. Last evaluated: 2024-10-08. Review status: criteria provided, single submitter. Criteria: Invitae Variant Classification Sherloc (09022015). Collection method: clinical testing. Allele origin: germline.

All of Us Research Program, National Institutes of Health
Classification: Likely benign for Familial adenomatous polyposis 2. Last evaluated: 2024-05-09. Review status: criteria provided, single submitter. Criteria: ACMG Guidelines, 2015. Collection method: clinical testing. Allele origin: germline. Inheritance: Autosomal recessive inheritance. Observed: 1 variant allele, 1 heterozygote.
Comment: This study involves interpretation of variants in research participants for the purpose of population health screening. Participant phenotype was not available at the time of variant classification. Additional details can be found in publication PMID: 35346344, PMCID: PMC8962531

Ambry Genetics
Classification: Likely benign for Hereditary cancer-predisposing syndrome. Last evaluated: 2020-10-07. Review status: criteria provided, single submitter. Criteria: Ambry Variant Classification Scheme 2023. Collection method: clinical testing. Allele origin: germline.

Color Diagnostics, LLC DBA Color Health
Classification: Likely benign for Hereditary cancer-predisposing syndrome. Last evaluated: 2017-06-02. Review status: criteria provided, single submitter. Criteria: ACMG Guidelines, 2015. Collection method: clinical testing. Allele origin: germline.

NM_001048174.2(MUTYH):c.510G>A (p.Gly170=)

Gene: MUTYH (mutY DNA glycosylase; minus strand). Cytogenetic location: 1p34.1.
Variant type: single nucleotide variant.
Coding change: c.510G>A on transcript NM_001048174.2 (MANE Select); coding-DNA position 510, G replaced by A.
Protein change: p.Gly170=; no amino-acid change (glycine 170 retained).
Molecular consequence: synonymous variant. On other transcripts: non-coding transcript variant (2).
Genome position (GRCh38, 1-based): chr1:45,332,670, C>T on the plus strand (G>A on the coding strand, the complement: MUTYH is on the minus strand). VCF-style: chr1-45332670-C-T. GRCh37 (hg19) VCF-style: chr1-45798342-C-T.
Other names: c.510G>A, p.Gly170= (NM_001048171.2, NM_001048173.2, NM_001293195.2); c.513G>A, p.Gly171= (NM_001048172.2); c.594G>A, p.Gly198= (NM_001128425.2); c.555G>A, p.Gly185= (NM_001293190.2); c.543G>A, p.Gly181= (NM_001293191.2); c.234G>A, p.Gly78= (NM_001293192.2, NM_001293196.2); c.165G>A, p.Gly55= (NM_001350650.2, NM_001350651.2); c.585G>A, p.Gly195= (NM_012222.3).
Identifiers: ClinVar variation 492052 (VCV000492052.14), dbSNP rs1475004261, ClinGen allele CA417880101.